The following is an entry in ClinVar:

NM_005655.4(KLF10):c.746_747delinsTG (p.Ser249Leu)

Gene: KLF10 (KLF transcription factor 10; minus strand). Cytogenetic location: 8q22.3.
Variant type: Indel.
Coding change: c.746_747delinsTG on transcript NM_005655.4 (MANE Select); coding-DNA positions 746 to 747, CC replaced by TG.
Protein change: p.Ser249Leu; replaces serine 249 with leucine.
Molecular consequence: missense variant.
Genome position (GRCh38, 1-based): chr8:102,651,585-102,651,586, GG replaced by CA on the plus strand (CC replaced by TG on the coding strand, the reverse complement: KLF10 is on the minus strand). VCF-style: chr8-102651585-GG-CA. GRCh37 (hg19) VCF-style: chr8-103663813-GG-CA.
Other names: c.713_714delinsTG, p.Ser238Leu (NM_001032282.4); short protein forms S249L, S238L.
Identifiers: ClinVar variation 2107616 (VCV002107616.4), dbSNP rs2537070871, ClinGen allele CA2580078504.

ClinVar aggregate classification (germline): Uncertain significance (1 of 4 stars; one submission).

Submission:

Labcorp Genetics (formerly Invitae), Labcorp
Classification: Uncertain significance. Last evaluated: 2024-12-18. Review status: criteria provided, single submitter. Criteria: Invitae Variant Classification Sherloc (09022015). Collection method: clinical testing. Allele origin: germline.
Comment: This sequence change replaces serine, which is neutral and polar, with leucine, which is neutral and non-polar, at codon 249 of the KLF10 protein (p.Ser249Leu). Information on the frequency of this variant in the gnomAD database is not available, as this variant may be reported differently in the database. This variant has not been reported in the literature in individuals affected with KLF10-related conditions. ClinVar contains an entry for this variant (Variation ID: 2107616). An algorithm developed to predict the effect of missense changes on protein structure and function (PolyPhen-2) suggests that this variant is likely to be tolerated. In summary, the available evidence is currently insufficient to determine the role of this variant in disease. Therefore, it has been classified as a Variant of Uncertain Significance.